The following is an entry in ClinVar:

ClinVar aggregate classification (germline): Uncertain significance (1 of 4 stars; one submission).

Conditions:
Marfan syndrome (MFS). Also called: FBN1-Related Marfan Syndrome; MARFAN SYNDROME, TYPE I; Marfan syndrome type 1; Marfan's syndrome; Marfan syndrome, classic. Identifiers: Orphanet 284963, Orphanet 558, MedGen C0024796, MONDO:0007947, OMIM 154700.
Familial thoracic aortic aneurysm and aortic dissection (TAAD). Also called: Thoracic aortic aneurysms and dissections. Identifiers: Orphanet 91387, MedGen C4707243, MONDO:0019625.

gnomAD v4.1: 1 of 1,614,034 alleles (0.000062%); highest among the groups gnomAD compares: Non-Finnish European, 0.000085%; no homozygotes.

Submission:

Labcorp Genetics (formerly Invitae), Labcorp
Classification: Uncertain significance for Marfan syndrome; Familial thoracic aortic aneurysm and aortic dissection. Last evaluated: 2025-07-27. Review status: criteria provided, single submitter. Criteria: Invitae Variant Classification Sherloc (09022015). Collection method: clinical testing. Allele origin: germline.
Comment: This sequence change replaces valine, which is neutral and non-polar, with alanine, which is neutral and non-polar, at codon 1786 of the FBN1 protein (p.Val1786Ala). This variant is not present in population databases (gnomAD no frequency). This variant has not been reported in the literature in individuals affected with FBN1-related conditions. Invitae Evidence Modeling of protein sequence and biophysical properties (such as structural, functional, and spatial information, amino acid conservation, physicochemical variation, residue mobility, and thermodynamic stability) has been performed for this missense variant. However, the output from this modeling did not meet the statistical confidence thresholds required to predict the impact of this variant on FBN1 protein function. In summary, the available evidence is currently insufficient to determine the role of this variant in disease. Therefore, it has been classified as a Variant of Uncertain Significance.

NM_000138.5(FBN1):c.5357T>C (p.Val1786Ala)

Gene: FBN1 (fibrillin 1; minus strand). Cytogenetic location: 15q21.1.
Variant type: single nucleotide variant.
Coding change: c.5357T>C on transcript NM_000138.5 (MANE Select); coding-DNA position 5357, T replaced by C.
Protein change: p.Val1786Ala; replaces valine 1786 with alanine.
Molecular consequence: missense variant.
Genome position (GRCh38, 1-based): chr15:48,456,702, A>G on the plus strand (T>C on the coding strand, the complement: FBN1 is on the minus strand). VCF-style: chr15-48456702-A-G. GRCh37 (hg19) VCF-style: chr15-48748899-A-G.
Other names: c.5357T>C, p.Val1786Ala (NM_001406716.1); short protein forms V1786A.
Identifiers: ClinVar variation 4789647 (VCV004789647.1).